The following is an entry in ClinVar:

NM_018979.4(WNK1):c.3029T>C (p.Val1010Ala)

Gene: WNK1 (WNK lysine deficient protein kinase 1; plus strand). Cytogenetic location: 12p13.33.
Variant type: single nucleotide variant.
Coding change: c.3029T>C on transcript NM_018979.4 (MANE Select); coding-DNA position 3029, T replaced by C.
Protein change: p.Val1010Ala; replaces valine 1010 with alanine.
Molecular consequence: missense variant. On other transcripts: intron variant (2).
Genome position (GRCh38, 1-based): chr12:880,917, T>C. VCF-style: chr12-880917-T-C. GRCh37 (hg19) VCF-style: chr12-990083-T-C.
Other names: c.3809T>C, p.Val1270Ala (NM_001184985.2); c.3868-775T>C (NM_213655.5); c.2371-775T>C (NM_014823.3); short protein forms V1010A, V1270A.
Identifiers: ClinVar variation 471176 (VCV000471176.7), dbSNP rs769099133, ClinGen allele CA6382629.

ClinVar aggregate classification (germline): Uncertain significance. Review status: criteria provided, multiple submitters, no conflicts (2 of 4 stars). 2 submissions from 2 submitters: Uncertain significance (2). Last evaluated 2022-01-20.

Conditions:
Neuropathy, hereditary sensory and autonomic, type 2A (HSAN2A). Also called: HSAN IIA; WNK1-Related HSAN2 (HSAN2A); ACROOSTEOLYSIS, GIACCAI TYPE; ACROOSTEOLYSIS, NEUROGENIC; MORVAN DISEASE; NEUROPATHY, CONGENITAL SENSORY. Identifiers: Orphanet 970, MedGen C2752089, MONDO:0024309, OMIM 201300.
Pseudohypoaldosteronism type 2C (PHA2C). Also called: Pseudohypoaldosteronism Type IIC. Identifiers: Orphanet 757, Orphanet 88940, MedGen C1840391, MONDO:0013778, OMIM 614492.

Allele frequency attached by ClinVar (database versions not stated): gnomAD 0.00001; gnomAD exomes 0.00001; TOPMed 0.00001; ExAC 0.00002.
gnomAD v4.1: 29 of 1,614,012 alleles (0.0018%); highest among the groups gnomAD compares: Non-Finnish European, 0.0025%; no homozygotes.

Submissions (2):

Fulgent Genetics
Classification: Uncertain significance for Neuropathy, hereditary sensory and autonomic, type 2A; Pseudohypoaldosteronism type 2C. Last evaluated: 2022-01-20. Review status: criteria provided, single submitter. Criteria: ACMG Guidelines, 2015. Collection method: clinical testing. Allele origin: unknown.

Labcorp Genetics (formerly Invitae), Labcorp
Classification: Uncertain significance for Neuropathy, hereditary sensory and autonomic, type 2A; Pseudohypoaldosteronism type 2C. Last evaluated: 2017-07-15. Review status: criteria provided, single submitter. Criteria: Invitae Variant Classification Sherloc (09022015). Collection method: clinical testing. Allele origin: germline.
Comment: This sequence change replaces valine with alanine at codon 1010 of the WNK1 protein (p.Val1010Ala). The valine residue is weakly conserved and there is a small physicochemical difference between valine and alanine. In summary, the available evidence is currently insufficient to determine the role of this variant in disease. Therefore, it has been classified as a Variant of Uncertain Significance. Algorithms developed to predict the effect of missense changes on protein structure and function do not agree on the potential impact of this missense change (SIFT: "Deleterious"; PolyPhen-2: "Possibly Damaging"; Align-GVGD: "Class C0"). This variant has not been reported in the literature in individuals with WNK1-related disease. This variant is present in population databases (rs769099133, ExAC 0.003%).